The following is an entry in ClinVar:

NM_001371986.1(UNC80):c.950T>A (p.Val317Glu)

Gene: UNC80 (unc-80 subunit of NALCN channel complex; plus strand). Cytogenetic location: 2q34.
Variant type: single nucleotide variant.
Coding change: c.950T>A on transcript NM_001371986.1 (MANE Select); coding-DNA position 950, T replaced by A.
Protein change: p.Val317Glu; replaces valine 317 with glutamic acid.
Molecular consequence: missense variant.
Genome position (GRCh38, 1-based): chr2:209,813,591, T>A. VCF-style: chr2-209813591-T-A. GRCh37 (hg19) VCF-style: chr2-210678315-T-A.
Other names: c.950T>A, p.Val317Glu (NM_032504.2, NM_182587.4); short protein forms V317E.
Identifiers: ClinVar variation 2001017 (VCV002001017.4), dbSNP rs1328151749, ClinGen allele CA350132749.

ClinVar aggregate classification (germline): Uncertain significance (1 of 4 stars; one submission).

gnomAD v4.1: 1 of 1,551,404 alleles (0.000064%); highest among the groups gnomAD compares: African/African-American, 0.0014%; no homozygotes.

Submission:

Labcorp Genetics (formerly Invitae), Labcorp
Classification: Uncertain significance. Last evaluated: 2024-08-06. Review status: criteria provided, single submitter. Criteria: Invitae Variant Classification Sherloc (09022015). Collection method: clinical testing. Allele origin: germline.
Comment: This sequence change replaces valine, which is neutral and non-polar, with glutamic acid, which is acidic and polar, at codon 317 of the UNC80 protein (p.Val317Glu). This variant is not present in population databases (gnomAD no frequency). This variant has not been reported in the literature in individuals affected with UNC80-related conditions. ClinVar contains an entry for this variant (Variation ID: 2001017). An algorithm developed to predict the effect of missense changes on protein structure and function (PolyPhen-2) suggests that this variant is likely to be disruptive. In summary, the available evidence is currently insufficient to determine the role of this variant in disease. Therefore, it has been classified as a Variant of Uncertain Significance.